The following is an entry in ClinVar:

NM_000359.3(TGM1):c.1175del (p.Gly392fs)

Gene: TGM1 (transglutaminase 1; minus strand). Cytogenetic location: 14q12.
Variant type: Deletion.
Coding change: c.1175del on transcript NM_000359.3 (MANE Select); coding-DNA position 1175, one base deleted (G; older notation c.1175delG).
Protein change: p.Gly392fs; shifts the reading frame from glycine 392.
Molecular consequence: frameshift variant.
Genome position (GRCh38, 1-based): chr14:24,258,658, C deleted on the plus strand (G on the coding strand, the reverse complement: TGM1 is on the minus strand); the first of 3 consecutive C bases (chr14:24,258,658-24,258,660); deleting any one gives the same sequence. VCF-style (leftmost placement, unchanged base first): chr14-24258657-AC-A. GRCh37 (hg19) VCF-style: chr14-24727863-AC-A.
Other names: short protein forms G392fs.
Identifiers: ClinVar variation 1725418 (VCV001725418.2), dbSNP rs2502500377, ClinGen allele CA2580087973.
Genomic context (GRCh38, chr14:24,258,657, plus strand): 5'-GGTAAGGGATGTGTCTGTGTCGTGGGCGGAGTTGAAGTTGGTGACAGTACGGGTGGCCAG[AC>A]CCAGGCAGCGCAGCACTGTGGAGGAGCGAAGGTTGGGGTTCAAGGCATGGGTTGGGGGCA-3'

ClinVar aggregate classification (germline): Likely pathogenic (1 of 4 stars; one submission).

Conditions:
Autosomal recessive congenital ichthyosis 1 (LI1). Also called: DESQUAMATION OF NEWBORN; ICHTHYOSIS CONGENITA; ICHTHYOSIS CONGENITA II; LAMELLAR EXFOLIATION OF NEWBORN; ICHTHYOSIS, CONGENITAL, AUTOSOMAL RECESSIVE 1, WITH BATHING SUIT DISTRIBUTION; ICHTHYOSIS, CONGENITAL, AUTOSOMAL RECESSIVE 1, WITH OR WITHOUT BATHING SUIT DISTRIBUTION. Identifiers: MedGen C4551630, MONDO:0009441, OMIM 242300.

Submission:

Myriad Genetics, Inc.
Classification: Likely pathogenic for Autosomal recessive congenital ichthyosis 1. Last evaluated: 2022-03-20. Review status: criteria provided, single submitter. Criteria: Myriad Women's Health Autosomal Recessive and X-Linked Classification Criteria (2021). Collection method: clinical testing. Allele origin: unknown.
Comment: NM_000359.2(TGM1):c.1175delG(G392Vfs*30) is expected to be pathogenic in the context of TGM1-related autosomal recessive congenital ichthyosis. This variant is predicted to lead to an abnormal or absent protein product due to the creation of a premature termination codon in TGM1, a gene where loss-of-function variants are known to be pathogenic. Please note: this variant was assessed in the context of healthy population screening.